The following is an entry in ClinVar:

NM_020631.6(PLEKHG5):c.2216G>A (p.Arg739Gln)

Gene: PLEKHG5 (pleckstrin homology and RhoGEF domain containing G5; minus strand). Cytogenetic location: 1p36.31.
Variant type: single nucleotide variant.
Coding change: c.2216G>A on transcript NM_020631.6 (MANE Select); coding-DNA position 2216, G replaced by A.
Protein change: p.Arg739Gln; replaces arginine 739 with glutamine.
Molecular consequence: missense variant.
Genome position (GRCh38, 1-based): chr1:6,469,075, C>T on the plus strand (G>A on the coding strand, the complement: PLEKHG5 is on the minus strand). VCF-style: chr1-6469075-C-T. GRCh37 (hg19) VCF-style: chr1-6529135-C-T.
Other names: c.2327G>A, p.Arg776Gln (NM_001042663.3, NM_001265592.2); c.2216G>A, p.Arg739Gln (NM_001042664.2, NM_001042665.2, NM_001265594.3 and 1 more transcripts); c.2423G>A, p.Arg808Gln (NM_001265593.2); short protein forms R808Q, R739Q, R776Q.
Identifiers: ClinVar variation 1517420 (VCV001517420.5), dbSNP rs754583609, ClinGen allele CA561217.
Genomic context (GRCh38, chr1:6,469,075, plus strand): 5'-CTGCTGGGTGGTCATGAGCAGACGTACCAGTGCTGAGAGTCGGGGCTGCCGCTGCTTTTC[C>T]GCATGATGGTAGGGGAGCTGGCAGCTGAAGTGCCACTGTCCTCGCCTTCCTCCTCCTCCT-3'
Protein context (NP_065682.2, residues 729-749): TSAASSPTIM[Arg739Gln]KSSGSPDSQH

ClinVar aggregate classification (germline): Uncertain significance (1 of 4 stars; one submission).

Conditions:
Charcot-Marie-Tooth disease recessive intermediate C. Also called: CHARCOT-MARIE-TOOTH NEUROPATHY, RECESSIVE INTERMEDIATE C. Identifiers: Orphanet 369867, MedGen C3809309, MONDO:0014154, OMIM 615376.
Neuronopathy, distal hereditary motor, autosomal recessive 4. Also called: NEUROPATHY, DISTAL HEREDITARY MOTOR, AUTOSOMAL RECESSIVE 4; Autosomal recessive lower motor neuron disease with childhood onset. Identifiers: Orphanet 206580, MedGen C1970211, MONDO:0012608, OMIM 611067.

Allele frequency attached by ClinVar (database versions not stated): TOPMed below 0.00001; ExAC 0.00001; gnomAD exomes 0.00001; gnomAD 0.00002.
gnomAD v4.1: 11 of 1,613,670 alleles (0.00068%); highest among the groups gnomAD compares: Admixed American, 0.005%; no homozygotes.

Submission:

Labcorp Genetics (formerly Invitae), Labcorp
Classification: Uncertain significance for Neuronopathy, distal hereditary motor, autosomal recessive 4; Charcot-Marie-Tooth disease recessive intermediate C. Last evaluated: 2022-01-14. Review status: criteria provided, single submitter. Criteria: Invitae Variant Classification Sherloc (09022015). Collection method: clinical testing. Allele origin: germline.
Comment: This sequence change replaces arginine, which is basic and polar, with glutamine, which is neutral and polar, at codon 739 of the PLEKHG5 protein (p.Arg739Gln). This variant is present in population databases (rs754583609, gnomAD 0.005%). This variant has not been reported in the literature in individuals affected with PLEKHG5-related conditions. Algorithms developed to predict the effect of missense changes on protein structure and function are either unavailable or do not agree on the potential impact of this missense change (SIFT: "Tolerated"; PolyPhen-2: "Possibly Damaging"; Align-GVGD: "Class C0"). Algorithms developed to predict the effect of sequence changes on RNA splicing suggest that this variant may create or strengthen a splice site. In summary, the available evidence is currently insufficient to determine the role of this variant in disease. Therefore, it has been classified as a Variant of Uncertain Significance.